The following is an entry in ClinVar:

NM_022458.4(LMBR1):c.844C>T (p.Arg282Ter)

Gene: LMBR1 (limb development membrane protein 1; minus strand). Cytogenetic location: 7q36.3.
Variant type: single nucleotide variant.
Coding change: c.844C>T on transcript NM_022458.4 (MANE Select); coding-DNA position 844, C replaced by T.
Protein change: p.Arg282Ter; replaces arginine 282 with a stop codon.
Molecular consequence: nonsense. On other transcripts: non-coding transcript variant (1).
Genome position (GRCh38, 1-based): chr7:156,728,715, G>A on the plus strand (C>T on the coding strand, the complement: LMBR1 is on the minus strand). VCF-style: chr7-156728715-G-A. GRCh37 (hg19) VCF-style: chr7-156521409-G-A.
Other names: c.967C>T, p.Arg323Ter (NM_001350953.2, NM_001363409.2); c.565C>T, p.Arg189Ter (NM_001350954.2); c.388C>T, p.Arg130Ter (NM_001350955.2, NM_001350956.2, NM_001350958.2 and 1 more transcripts); c.475C>T, p.Arg159Ter (NM_001350957.2, NM_001363411.2); c.844C>T, p.Arg282Ter (NM_001363410.2); c.781C>T, p.Arg261Ter (NM_001363412.2); short protein forms R130*, R159*, R189*, R261*, R282*, R323*.
Identifiers: ClinVar variation 2443568 (VCV002443568.4), dbSNP rs377662885, ClinGen allele CA4587932.

ClinVar aggregate classification (germline): Uncertain significance. Review status: criteria provided, multiple submitters, no conflicts (2 of 4 stars). 2 submissions from 2 submitters: Uncertain significance (2). Last evaluated 2023-08-08.

Conditions:
Acheiropodia (ACHP). Also called: Acheiropody; ACHEIROPODY, BRAZILIAN TYPE. Identifiers: Orphanet 931, MedGen C0265559, MONDO:0008700, OMIM 200500.
Triphalangeal thumb-polysyndactyly syndrome (TPTPS). Also called: TPT-PS SYNDROME; Triphalangeal thumb with polysyndactyly syndrome; TRIPHALANGEAL THUMB WITH POLYSYNDACTYLY. Identifiers: MedGen C5779878, MONDO:0017454, OMIM 190605.
Syndactyly type 4. Also called: Polysyndactyly type Haas; Syndactyly, type IV; HAAS TYPE SYNDACTYLY. Identifiers: Orphanet 93405, MedGen C1861355, MONDO:0008515, OMIM 186200.
Laurin-Sandrow syndrome (LSS). Also called: MIRROR HANDS AND FEET WITH NASAL DEFECTS; SANDROW SYNDROME; TETRAMELIC MIRROR-IMAGE POLYDACTYLY; FIBULA AND ULNA, DUPLICATION OF, WITH ABSENCE OF TIBIA AND RADIUS. Identifiers: Orphanet 2378, MedGen C1851100, MONDO:0007615, OMIM 135750.

Submissions (2):

GeneDx
Classification: Uncertain significance. Last evaluated: 2023-08-08. Review status: criteria provided, single submitter. Criteria: GeneDx Variant Classification Process June 2021. Collection method: clinical testing. Allele origin: germline. Affected: yes.
Comment: Has not been previously published as pathogenic or benign to our knowledge; Nonsense variant predicted to result in protein truncation or nonsense mediated decay in a gene for which loss of function is a known mechanism of disease

Department of Pathology and Laboratory Medicine, Sinai Health System
Classification: Uncertain significance for Triphalangeal thumb-polysyndactyly syndrome; Laurin-Sandrow syndrome; Acheiropodia; Syndactyly type 4. Last evaluated: 2022-09-22. Review status: criteria provided, single submitter. Criteria: ACMG Guidelines, 2015. Collection method: research. Allele origin: germline.